The following is an entry in ClinVar:

NM_002458.3(MUC5B):c.1939-7_1939-6insTCC

Gene: MUC5B (mucin 5B, oligomeric mucus/gel-forming; plus strand). Cytogenetic location: 11p15.5.
Variant type: Insertion.
Coding change: c.1939-7_1939-6insTCC on transcript NM_002458.3 (MANE Select); 7 bases into the intron before coding-DNA position 1939 through 6 bases into the intron before coding-DNA position 1939, TCC inserted.
Molecular consequence: intron variant.
Genome position: GRCh38 VCF-style: chr11-1232637-T-TTCC. GRCh37 (hg19) VCF-style: chr11-1253867-T-TTCC.
Identifiers: ClinVar variation 4084342 (VCV004084342.8).

ClinVar aggregate classification (germline): Uncertain significance (1 of 4 stars; one submission).

Submission:

CeGaT Center for Human Genetics Tuebingen
Classification: Uncertain significance. Last evaluated: 2025-07-01. Review status: criteria provided, single submitter. Criteria: CeGaT Center For Human Genetics Tuebingen Variant Classification Criteria Version 2. Collection method: clinical testing. Allele origin: germline. Affected: yes. Observed: 1 variant allele.
Comment: MUC5B: PM2, BP4